The following is an entry in ClinVar:

NM_020750.3(XPO5):c.3443_3455dup (p.Leu1153fs)

Genes: POLR1C (RNA polymerase I and III subunit C; plus strand), XPO5 (exportin 5; minus strand). Cytogenetic location: 6p21.1.
Variant type: Duplication.
Coding change: c.3443_3455dup on transcript NM_020750.3 (MANE Select); coding-DNA positions 3443 to 3455, 13 bases duplicated (ACCAATTCAAACG).
Protein change: p.Leu1153fs; shifts the reading frame from leucine 1153.
Molecular consequence: frameshift variant. On other transcripts: non-coding transcript variant (1), intron variant (2).
Genome position (GRCh38, 1-based): chr6:43,524,493-43,524,505, CGTTTGAATTGGT duplicated on the plus strand (ACCAATTCAAACG on the coding strand, the reverse complement: XPO5 is on the minus strand); duplicating any 13 consecutive bases within chr6:43,524,493-43,524,506 gives the same sequence; the c. name uses the placement nearest the transcript's 3' end. VCF-style (leftmost placement, unchanged base first): chr6-43524492-G-GCGTTTGAATTGGT. GRCh37 (hg19) VCF-style: chr6-43492230-G-GCGTTTGAATTGGT.
Other names: c.922+3446_922+3458dup (NM_001363658.2, NM_001318876.2); short protein forms L1153fs.
Identifiers: ClinVar variation 4530251 (VCV004530251.1).

ClinVar aggregate classification (somatic clinical impact): Tier II - Potential (1 of 4 stars; one submission).

Conditions:
Pleuropulmonary blastoma (PPB). Identifiers: Orphanet 64742, MedGen C1266144, MONDO:0011014, OMIM 601200, HP:0100528.

Submission:

Institute for Genomic Medicine (IGM) Clinical Laboratory, Nationwide Children's Hospital
Classification: Tier II - Potential for Pleuropulmonary blastoma. Assertion type: diagnostic. Clinical significance: supports diagnosis. Last evaluated: 2025-02-03. Review status: criteria provided, single submitter. Criteria: AMP/ASCO/CAP Guidelines, 2017. Collection method: clinical testing. Allele origin: somatic. Affected: yes.
Comment: Variant has Tier II (potential) clinical significance as a diagnostic inclusion criterion in pleuropulmonary blastoma, based on the following evidence: 1) Information in the literature supports potential biologic effect of variant (PMID: 20951941). 2) Diagnostic significance based on multiple small studies (Evidence Level C).

Literature cited by the submitters: PubMed 20951941.